The following is an entry in ClinVar:

NM_138386.3(NAF1):c.289_291dup (p.Thr97_Ser98insThr)

Gene: NAF1 (nuclear assembly factor 1 ribonucleoprotein; minus strand). Cytogenetic location: 4q32.2.
Variant type: Duplication.
Coding change: c.289_291dup on transcript NM_138386.3 (MANE Select); coding-DNA positions 289 to 291, 3 bases duplicated (ACC; older notation c.289_291dupACC).
Protein change: p.Thr97_Ser98insThr.
Genome position (GRCh38, 1-based): chr4:163,166,437-163,166,439, GGT duplicated on the plus strand (ACC on the coding strand, the reverse complement: NAF1 is on the minus strand); duplicating any 3 consecutive bases within chr4:163,166,437-163,166,440 gives the same sequence; the c. name uses the placement nearest the transcript's 3' end. VCF-style (leftmost placement, unchanged base first): chr4-163166436-A-AGGT. GRCh37 (hg19) VCF-style: chr4-164087588-A-AGGT.
Other names: p.Thr97dup; c.289_291dup, p.Thr97_Ser98insThr (NM_001128931.2); c.289_291dupACC (NM_138386.2).
Identifiers: ClinVar variation 3379569 (VCV003379569.4).

ClinVar aggregate classification (germline): Conflicting classifications of pathogenicity. Review status: criteria provided, conflicting classifications (1 of 4 stars). 4 submissions from 4 submitters: Uncertain significance (3); Likely benign (1). Last evaluated 2025-09-01.

Conditions:
NAF1-related disorder. Also called: NAF1-related condition.

Submissions (4):

Labcorp Genetics (formerly Invitae), Labcorp
Classification: Uncertain significance. Last evaluated: 2025-09-01. Review status: criteria provided, single submitter. Criteria: Invitae Variant Classification Sherloc (09022015). Collection method: clinical testing. Allele origin: germline.
Comment: This variant, c.289_291dup, results in the insertion of 1 amino acid(s) of the NAF1 protein (p.Thr97dup), but otherwise preserves the integrity of the reading frame. This variant is not present in population databases (gnomAD no frequency). This variant has not been reported in the literature in individuals affected with NAF1-related conditions. ClinVar contains an entry for this variant (Variation ID: 3379569). In summary, the available evidence is currently insufficient to determine the role of this variant in disease. Therefore, it has been classified as a Variant of Uncertain Significance.

PreventionGenetics, part of Exact Sciences
Classification: Uncertain significance for NAF1-related condition. Last evaluated: 2025-01-11. Review status: criteria provided, single submitter. Criteria: ACMG Guidelines, 2015. Collection method: clinical testing. Allele origin: germline.
Comment: The NAF1 c.289_291dupACC variant is predicted to result in an in-frame duplication (p.Thr97dup). To our knowledge, this variant has not been reported in the literature or in a large population database (gnomAD), indicating this variant is rare. At this time, the clinical significance of this variant is uncertain due to the absence of conclusive functional and genetic evidence.

Mayo Clinic Laboratories, Mayo Clinic
Classification: Uncertain significance. Last evaluated: 2024-09-10. Review status: criteria provided, single submitter. Criteria: ACMG Guidelines, 2015. Collection method: clinical testing. Allele origin: germline. Observed: 1 variant allele.
Comment: PM2, PM4

Blueprint Genetics
Classification: Likely benign. Last evaluated: 2019-12-01. Review status: criteria provided, single submitter. Criteria: ACMG Guidelines, 2015. Collection method: clinical testing. Allele origin: germline.